The following is an entry in ClinVar:

ClinVar aggregate classification (germline): Uncertain significance. Review status: criteria provided, multiple submitters, no conflicts (2 of 4 stars). 2 submissions from 2 submitters: Uncertain significance (2). Last evaluated 2021-04-07.

Conditions:
Hereditary cancer-predisposing syndrome. Also called: Neoplastic Syndromes, Hereditary; Tumor predisposition; Hereditary Cancer Syndrome; Hereditary neoplastic syndrome. Identifiers: Orphanet 140162, MedGen C0027672, MeSH D009386, MONDO:0015356.

Allele frequency attached by ClinVar (database versions not stated): gnomAD exomes below 0.00001.
gnomAD v4.1: 1 of 1,613,896 alleles (0.000062%); highest among the groups gnomAD compares: Non-Finnish European, 0.000085%; no homozygotes.

Submissions (2):

Labcorp Genetics (formerly Invitae), Labcorp
Classification: Uncertain significance for Hereditary cancer-predisposing syndrome. Last evaluated: 2021-04-07. Review status: criteria provided, single submitter. Criteria: Invitae Variant Classification Sherloc (09022015). Collection method: clinical testing. Allele origin: germline.
Comment: This variant is not present in population databases (ExAC no frequency). This sequence change replaces threonine with alanine at codon 793 of the RAD50 protein (p.Thr793Ala). The threonine residue is moderately conserved and there is a small physicochemical difference between threonine and alanine. In summary, the available evidence is currently insufficient to determine the role of this variant in disease. Therefore, it has been classified as a Variant of Uncertain Significance. Algorithms developed to predict the effect of missense changes on protein structure and function (SIFT, PolyPhen-2, Align-GVGD) all suggest that this variant is likely to be tolerated, but these predictions have not been confirmed by published functional studies and their clinical significance is uncertain. This variant has not been reported in the literature in individuals with RAD50-related conditions. ClinVar contains an entry for this variant (Variation ID: 232082).

Ambry Genetics
Classification: Uncertain significance for Hereditary cancer-predisposing syndrome. Last evaluated: 2015-05-31. Review status: criteria provided, single submitter. Criteria: Ambry Variant Classification Scheme 2023. Collection method: clinical testing. Allele origin: germline.
Comment: The p.T793A variant (also known as c.2377A>G), located in coding exon 14 of the RAD50 gene, results from an A to G substitution at nucleotide position 2377. The threonine at codon 793 is replaced by alanine, an amino acid with some similar properties. This variant was not reported in population based cohorts in the following databases: Database of Single Nucleotide Polymorphisms (dbSNP), NHLBI Exome Sequencing Project (ESP), and 1000 Genomes Project. In the ESP, this variant was not observed in 6503 samples (13006 alleles) with coverage at this position. To date, this alteration has been detected with an allele frequency of approximately 0.002% (greater than 65000 alleles tested) in our clinical cohort. This amino acid position is well conserved in available mammalian species, but not conserved in available lower vertebrate species. In addition, this alteration is predicted to be benign and tolerated by PolyPhen and SIFT in silico analyses, respectively. Since supporting evidence is limited at this time, the clinical significance of p.T793A remains unclear.

NM_005732.4(RAD50):c.2377A>G (p.Thr793Ala)

Gene: RAD50 (RAD50 double strand break repair protein; plus strand). Cytogenetic location: 5q31.1.
Variant type: single nucleotide variant.
Coding change: c.2377A>G on transcript NM_005732.4 (MANE Select); coding-DNA position 2377, A replaced by G.
Protein change: p.Thr793Ala; replaces threonine 793 with alanine.
Molecular consequence: missense variant.
Genome position (GRCh38, 1-based): chr5:132,603,469, A>G. VCF-style: chr5-132603469-A-G. GRCh37 (hg19) VCF-style: chr5-131939161-A-G.
Other names: short protein forms T793A.
Identifiers: ClinVar variation 232082 (VCV000232082.14), dbSNP rs876659542, ClinGen allele CA10578562.
Genomic context (GRCh38, chr5:132,603,469, plus strand): 5'-ACACTCTTGGGTACAATAATGCCTGAAGAAGAAAGTGCCAAAGTATGCCTGACAGATGTT[A>G]CAATTATGGAGAGGTTCCAGGTAAGTTTATTGTAGTTTAAGGCAGAATAAAACTTGTTCC-3'
Protein context (NP_005723.2, residues 783-803): ESAKVCLTDV[Thr793Ala]IMERFQMELK